The following is an entry in ClinVar:

NM_003562.5(SLC25A11):c.279C>T (p.Thr93=)

Gene: SLC25A11 (solute carrier family 25 member 11; minus strand). Cytogenetic location: 17p13.2.
Variant type: single nucleotide variant.
Coding change: c.279C>T on transcript NM_003562.5 (MANE Select); coding-DNA position 279, C replaced by T.
Protein change: p.Thr93=; no amino-acid change (threonine 93 retained).
Molecular consequence: synonymous variant.
Genome position (GRCh38, 1-based): chr17:4,938,945, G>A on the plus strand (C>T on the coding strand, the complement: SLC25A11 is on the minus strand). VCF-style: chr17-4938945-G-A. GRCh37 (hg19) VCF-style: chr17-4842240-G-A.
Other names: c.246C>T, p.Thr82= (NM_001165417.2); c.126C>T, p.Thr42= (NM_001165418.2).
Identifiers: ClinVar variation 4706657 (VCV004706657.1).

ClinVar aggregate classification (germline): Uncertain significance (1 of 4 stars; one submission).

gnomAD v4.1: 18 of 1,614,160 alleles (0.0011%); highest among the groups gnomAD compares: Non-Finnish European, 0.0014%; no homozygotes.

Submission:

Labcorp Genetics (formerly Invitae), Labcorp
Classification: Uncertain significance. Last evaluated: 2025-02-18. Review status: criteria provided, single submitter. Criteria: Invitae Variant Classification Sherloc (09022015). Collection method: clinical testing. Allele origin: germline.
Comment: This sequence change affects codon 93 of the SLC25A11 mRNA. It is a 'silent' change, meaning that it does not change the encoded amino acid sequence of the SLC25A11 protein. This variant is not present in population databases (gnomAD no frequency). This variant has not been reported in the literature in individuals affected with SLC25A11-related conditions. Experimental studies and prediction algorithms are not available or were not evaluated, and the effect of this variant on mRNA splicing is currently unknown. In summary, the available evidence is currently insufficient to determine the role of this variant in disease. Therefore, it has been classified as a Variant of Uncertain Significance.